The following is an entry in ClinVar:

NM_004415.4(DSP):c.4847C>T (p.Thr1616Ile)

Gene: DSP (desmoplakin; plus strand). Cytogenetic location: 6p24.3.
Variant type: single nucleotide variant.
Coding change: c.4847C>T on transcript NM_004415.4 (MANE Select); coding-DNA position 4847, C replaced by T.
Protein change: p.Thr1616Ile; replaces threonine 1616 with isoleucine.
Molecular consequence: missense variant. On other transcripts: intron variant (2).
Genome position (GRCh38, 1-based): chr6:7,581,037, C>T. VCF-style: chr6-7581037-C-T. GRCh37 (hg19) VCF-style: chr6-7581270-C-T.
Other names: c.4050+797C>T (NM_001319034.2); c.3582+1265C>T (NM_001008844.3); short protein forms T1616I.
Identifiers: ClinVar variation 1478680 (VCV001478680.6), dbSNP rs1759419853, ClinGen allele CA362687289.

ClinVar aggregate classification (germline): Uncertain significance (1 of 4 stars; one submission).

Conditions:
Arrhythmogenic cardiomyopathy with wooly hair and keratoderma. Also called: Arrhythmogenic cardiomyopathy with woolly hair and keratoderma; PALMOPLANTAR KERATODERMA WITH LEFT VENTRICULAR CARDIOMYOPATHY AND WOOLLY HAIR; Dilated cardiomyopathy with woolly hair and keratoderma; Carvajal syndrome. Identifiers: Orphanet 65282, MedGen C1854063, MONDO:0011581, OMIM 605676.
Arrhythmogenic right ventricular dysplasia 8 (ARVD8). Also called: Arrhythmogenic Right Ventricular Dysplasia/Cardiomyopathy 8; ARRHYTHMOGENIC RIGHT VENTRICULAR DYSPLASIA, FAMILIAL, 8; ARRHYTHMOGENIC RIGHT VENTRICULAR CARDIOMYOPATHY 8. Identifiers: MedGen C1843896, MONDO:0011831, OMIM 607450.

Allele frequency attached by ClinVar (database versions not stated): gnomAD exomes below 0.00001.
gnomAD v4.1: 1 of 1,613,998 alleles (0.000062%); highest among the groups gnomAD compares: Non-Finnish European, 0.000085%; no homozygotes.

Submission:

Labcorp Genetics (formerly Invitae), Labcorp
Classification: Uncertain significance for Arrhythmogenic cardiomyopathy with wooly hair and keratoderma; Arrhythmogenic right ventricular dysplasia 8. Last evaluated: 2021-10-04. Review status: criteria provided, single submitter. Criteria: Invitae Variant Classification Sherloc (09022015). Collection method: clinical testing. Allele origin: germline.
Comment: This variant has not been reported in the literature in individuals affected with DSP-related conditions. This variant is not present in population databases (ExAC no frequency). This sequence change replaces threonine with isoleucine at codon 1616 of the DSP protein (p.Thr1616Ile). The threonine residue is highly conserved and there is a moderate physicochemical difference between threonine and isoleucine. In summary, the available evidence is currently insufficient to determine the role of this variant in disease. Therefore, it has been classified as a Variant of Uncertain Significance. Algorithms developed to predict the effect of missense changes on protein structure and function are either unavailable or do not agree on the potential impact of this missense change (SIFT: "Tolerated"; PolyPhen-2: "Possibly Damaging"; Align-GVGD: "Class C15").